The following is an entry in ClinVar:

ClinVar aggregate classification (germline): Conflicting classifications of pathogenicity. Review status: criteria provided, conflicting classifications (1 of 4 stars). 6 submissions from 6 submitters: Uncertain significance (1); Likely benign (5). Last evaluated 2025-11-25.

Conditions:
PLEC-related disorder. Also called: PLEC-related disorders; PLEC-related condition.
Epidermolysis bullosa simplex with nail dystrophy (EBS5D). Identifiers: MedGen C4225309, MONDO:0014661, OMIM 616487.
Epidermolysis bullosa simplex 5C, with pyloric atresia (EBS5C). Also called: PLEC-Related Epidermolysis Bullosa with Pyloric Atresia; Epidermolysis bullosa simplex with pyloric atresia; PLEC1-Related Epidermolysis Bullosa with Pyloric Atresia. Identifiers: Orphanet 158684, MedGen C2677349, MONDO:0012807, OMIM 612138.
Epidermolysis bullosa simplex 5B, with muscular dystrophy (EBS5B). Also called: EPIDERMOLYSIS BULLOSA SIMPLEX AND LIMB-GIRDLE MUSCULAR DYSTROPHY; Epidermolysis bullosa simplex with muscular dystrophy. Identifiers: Orphanet 257, MedGen C2931072, MONDO:0009181, OMIM 226670.
Autosomal recessive limb-girdle muscular dystrophy type 2Q (LGMDR17). Also called: MUSCULAR DYSTROPHY, LIMB-GIRDLE, AUTOSOMAL RECESSIVE 17. Identifiers: Orphanet 254361, MedGen C3150989, MONDO:0013390, OMIM 613723.
Epidermolysis bullosa simplex, Ogna type (EBS5A). Also called: Pidermolysis bullosa simplex 5A, Ogna type; EPIDERMOLYSIS BULLOSA SIMPLEX 5A, OGNA TYPE. Identifiers: Orphanet 79401, MedGen C0432317, MONDO:0007555, OMIM 131950.
Inborn genetic diseases. Identifiers: MedGen C0950123, MeSH D030342.

Allele frequency attached by ClinVar (database versions not stated): 1000 Genomes Project 30x 0.00031; gnomAD 0.00071 and 0.00074; ESP Exome Variant Server 0.00087; TOPMed 0.00086; gnomAD exomes 0.00020; ExAC 0.00038; 1000 Genomes Project 0.00040.
gnomAD v4.1: 242 of 1,597,320 alleles (0.015%); highest among the groups gnomAD compares: African/African-American, 0.27%; 2 homozygotes.

Submissions (6):

Labcorp Genetics (formerly Invitae), Labcorp
Classification: Likely benign for Autosomal recessive limb-girdle muscular dystrophy type 2Q; Epidermolysis bullosa simplex, Ogna type; Epidermolysis bullosa simplex with nail dystrophy; Epidermolysis bullosa simplex 5C, with pyloric atresia; Epidermolysis bullosa simplex 5B, with muscular dystrophy. Last evaluated: 2025-11-25. Review status: criteria provided, single submitter. Criteria: Invitae Variant Classification Sherloc (09022015). Collection method: clinical testing. Allele origin: germline.

PreventionGenetics, part of Exact Sciences
Classification: Likely benign for PLEC-related condition. Last evaluated: 2025-10-06. Review status: criteria provided, single submitter. Criteria: ACMG Guidelines, 2015. Collection method: clinical testing. Allele origin: germline.
Comment: This variant is classified as likely benign based on ACMG/AMP sequence variant interpretation guidelines (Richards et al. 2015 PMID: 25741868, with internal and published modifications).

Ambry Genetics
Classification: Uncertain significance for Inborn genetic diseases. Last evaluated: 2022-12-05. Review status: criteria provided, single submitter. Criteria: Ambry Variant Classification Scheme 2023. Collection method: clinical testing. Allele origin: germline.

GeneDx
Classification: Likely benign. Last evaluated: 2017-06-16. Review status: criteria provided, single submitter. Criteria: GeneDx Variant Classification (06012015). Collection method: clinical testing. Allele origin: germline. Affected: yes.
Comment: This variant is considered likely benign or benign based on one or more of the following criteria: it is a conservative change, it occurs at a poorly conserved position in the protein, it is predicted to be benign by multiple in silico algorithms, and/or has population frequency not consistent with disease.

Eurofins Ntd Llc (ga)
Classification: Likely benign. Last evaluated: 2016-06-28. Review status: criteria provided, single submitter. Criteria: EGL Classification Definitions 2015. Collection method: clinical testing. Allele origin: germline. Observed: 3 variant alleles, 3 heterozygotes.

Breakthrough Genomics
Classification: Likely benign. Review status: criteria provided, single submitter. Criteria: ACMG Guidelines, 2015. Collection method: not provided. Allele origin: germline. Inheritance: Autosomal recessive inheritance. Affected: yes.

NM_201384.3(PLEC):c.2263G>A (p.Ala755Thr)

Gene: PLEC (plectin; minus strand). Cytogenetic location: 8q24.3.
Variant type: single nucleotide variant.
Coding change: c.2263G>A on transcript NM_201384.3 (MANE Select); coding-DNA position 2263, G replaced by A.
Protein change: p.Ala755Thr; replaces alanine 755 with threonine.
Molecular consequence: missense variant.
Genome position (GRCh38, 1-based): chr8:143,931,575, C>T on the plus strand (G>A on the coding strand, the complement: PLEC is on the minus strand). VCF-style: chr8-143931575-C-T. GRCh37 (hg19) VCF-style: chr8-145005743-C-T.
Other names: c.2344G>A, p.Ala782Thr (NM_000445.5); c.2221G>A, p.Ala741Thr (NM_201378.4); c.2197G>A, p.Ala733Thr (NM_201379.3); c.2674G>A, p.Ala892Thr (NM_201380.4); c.2167G>A, p.Ala723Thr (NM_201381.3); c.2263G>A, p.Ala755Thr (NM_201382.4); c.2275G>A, p.Ala759Thr (NM_201383.3); short protein forms A723T, A733T, A741T, A755T, A759T, A782T, A892T.
Identifiers: ClinVar variation 93037 (VCV000093037.58), dbSNP rs200173947, ClinGen allele CA220864.